The following is an entry in ClinVar:

ClinVar aggregate classification (germline): Uncertain significance (1 of 4 stars; one submission).

Conditions:
FGFR3-related disorder. Also called: FGFR3-related disorders.

Submission:

PreventionGenetics, part of Exact Sciences
Classification: Uncertain significance for FGFR3-related condition. Last evaluated: 2024-11-27. Review status: criteria provided, single submitter. Criteria: ACMG Guidelines, 2015. Collection method: clinical testing. Allele origin: germline.
Comment: The FGFR3 c.1296C>G variant is predicted to result in the amino acid substitution p.Ser432Arg. To our knowledge, this variant has not been reported in the literature or in a large population database (gnomAD), indicating this variant is rare. At this time, the clinical significance of this variant is uncertain due to the absence of conclusive functional and genetic evidence.

NM_000142.5(FGFR3):c.1296C>G (p.Ser432Arg)

Gene: FGFR3 (fibroblast growth factor receptor 3; plus strand). Cytogenetic location: 4p16.3.
Variant type: single nucleotide variant.
Coding change: c.1296C>G on transcript NM_000142.5 (MANE Select); coding-DNA position 1296, C replaced by G.
Protein change: p.Ser432Arg; replaces serine 432 with arginine.
Molecular consequence: missense variant. On other transcripts: non-coding transcript variant (1).
Genome position (GRCh38, 1-based): chr4:1,804,853, C>G. VCF-style: chr4-1804853-C-G. GRCh37 (hg19) VCF-style: chr4-1806580-C-G.
Other names: c.1302C>G, p.Ser434Arg (NM_001163213.2); c.1299C>G, p.Ser433Arg (NM_001354809.2, NM_001354810.2); c.960C>G, p.Ser320Arg (NM_022965.4); short protein forms S320R, S432R, S434R, S433R.
Identifiers: ClinVar variation 4999158 (VCV004999158.1).
Genomic context (GRCh38, chr4:1,804,853, plus strand): 5'-GGCGCCAACCTGCCCCTGCTGACCCAAGCAGGTGTCCCTGGAGTCCAACGCGTCCATGAG[C>G]TCCAACACACCACTGGTGCGCATCGCAAGGCTGTCCTCAGGGGAGGGCCCCACGCTGGCC-3'
Protein context (NP_000133.1, residues 422-442): QVSLESNASM[Ser432Arg]SNTPLVRIAR